The following is an entry in ClinVar:

NM_001003694.2(BRPF1):c.1382A>G (p.His461Arg)

Gene: BRPF1 (bromodomain and PHD finger containing 1; plus strand). Cytogenetic location: 3p25.3.
Variant type: single nucleotide variant.
Coding change: c.1382A>G on transcript NM_001003694.2 (MANE Select); coding-DNA position 1382, A replaced by G.
Protein change: p.His461Arg; replaces histidine 461 with arginine.
Molecular consequence: missense variant. On other transcripts: non-coding transcript variant (1).
Genome position (GRCh38, 1-based): chr3:9,739,781, A>G. VCF-style: chr3-9739781-A-G. GRCh37 (hg19) VCF-style: chr3-9781465-A-G.
Other names: c.1382A>G, p.His461Arg (NM_001319049.2, NM_001319050.2, NM_004634.3); short protein forms H461R.
Identifiers: ClinVar variation 1028412 (VCV001028412.23), dbSNP rs781638484, ClinGen allele CA2241848.

ClinVar aggregate classification (germline): Conflicting classifications of pathogenicity. Review status: criteria provided, conflicting classifications (1 of 4 stars). 4 submissions from 4 submitters: Uncertain significance (2); Likely benign (2). Last evaluated 2024-05-01.

Conditions:
Inborn genetic diseases. Identifiers: MedGen C0950123, MeSH D030342.
Intellectual developmental disorder with dysmorphic facies and ptosis (IDDDFP). Identifiers: Orphanet 698090, MedGen C4310617, MONDO:0015022, OMIM 617333.

Allele frequency attached by ClinVar (database versions not stated): ExAC 0.00008; gnomAD exomes 0.00012 and 0.00014; TOPMed 0.00023; gnomAD 0.00027 and 0.00028; 1000 Genomes Project 30x 0.00031.
gnomAD v4.1: 245 of 1,613,926 alleles (0.015%); highest among the groups gnomAD compares: Middle Eastern, 0.68%; no homozygotes.

Submissions (4):

CeGaT Center for Human Genetics Tuebingen
Classification: Likely benign. Last evaluated: 2024-05-01. Review status: criteria provided, single submitter. Criteria: CeGaT Center For Human Genetics Tuebingen Variant Classification Criteria Version 2. Collection method: clinical testing. Allele origin: germline. Affected: yes. Observed: 1 variant allele.
Comment: BRPF1: BS2

Ambry Genetics
Classification: Likely benign for Inborn genetic diseases. Last evaluated: 2023-07-26. Review status: criteria provided, single submitter. Criteria: Ambry Variant Classification Scheme 2023. Collection method: clinical testing. Allele origin: germline.

Department of Pathology and Laboratory Medicine, Sinai Health System
Classification: Uncertain significance for Intellectual developmental disorder with dysmorphic facies and ptosis. Last evaluated: 2023-04-24. Review status: criteria provided, single submitter. Criteria: ACMG Guidelines, 2015. Collection method: research. Allele origin: germline.

Baylor Genetics
Classification: Uncertain significance for Intellectual developmental disorder with dysmorphic facies and ptosis. Last evaluated: 2019-08-06. Review status: criteria provided, single submitter. Criteria: ACMG Guidelines, 2015. Collection method: clinical testing. Allele origin: unknown. Affected: yes.
Comment: This variant was determined to be of uncertain significance according to ACMG Guidelines, 2015 [PMID:25741868].